The following is an entry in ClinVar:

ClinVar aggregate classification (germline): Pathogenic (1 of 4 stars; one submission).

Submission:

Labcorp Genetics (formerly Invitae), Labcorp
Classification: Pathogenic. Last evaluated: 2021-11-06. Review status: criteria provided, single submitter. Criteria: Invitae Variant Classification Sherloc (09022015). Collection method: clinical testing. Allele origin: germline.
Comment: For these reasons, this variant has been classified as Pathogenic. This variant has not been reported in the literature in individuals affected with TTLL5-related conditions. This variant is a gross deletion of the genomic region encompassing exon(s) 28-30 of the TTLL5 gene. This deletion is out-of-frame, and is expected to create a premature termination codon and result in an absent or disrupted protein product. Loss-of-function variants in TTLL5 are known to be pathogenic (PMID: 24791901, 27162334).

Literature cited by the submitters: PubMed 24791901; PubMed 27162334.

NC_000014.8:g.(?_76286330)_(76349265_?)del

Gene: TTLL5 (tubulin tyrosine ligase like 5; plus strand). Cytogenetic location: 14q24.3.
Variant type: Deletion.
Identifiers: ClinVar variation 2426055 (VCV002426055.4).